The following is an entry in ClinVar:

ClinVar aggregate classification (germline): Uncertain significance (1 of 4 stars; one submission).

Conditions:
Cardiovascular phenotype. Identifiers: MedGen CN230736.

Submission:

Ambry Genetics
Classification: Uncertain significance for Cardiovascular phenotype. Last evaluated: 2024-02-18. Review status: criteria provided, single submitter. Criteria: Ambry Variant Classification Scheme 2023. Collection method: clinical testing. Allele origin: germline.
Comment: The p.S582C variant (also known as c.1744A>T), located in coding exon 13 of the RASA1 gene, results from an A to T substitution at nucleotide position 1744. The serine at codon 582 is replaced by cysteine, an amino acid with dissimilar properties. This amino acid position is conserved. In addition, the in silico prediction for this alteration is inconclusive. Based on the available evidence, the clinical significance of this alteration remains unclear.

NM_002890.3(RASA1):c.1744A>T (p.Ser582Cys)

Genes: CCNH (cyclin H; minus strand), RASA1 (RAS p21 protein activator 1; plus strand). Cytogenetic location: 5q14.3.
Variant type: single nucleotide variant.
Coding change: c.1744A>T on transcript NM_002890.3 (MANE Select); coding-DNA position 1744, A replaced by T.
Protein change: p.Ser582Cys; replaces serine 582 with cysteine.
Molecular consequence: missense variant. On other transcripts: intron variant (1).
Genome position (GRCh38, 1-based): chr5:87,372,163, A>T. VCF-style: chr5-87372163-A-T. GRCh37 (hg19) VCF-style: chr5-86667980-A-T.
Other names: c.1213A>T, p.Ser405Cys (NM_022650.3); c.933+22881T>A (NM_001364075.2); short protein forms S405C, S582C.
Identifiers: ClinVar variation 3222910 (VCV003222910.1), dbSNP rs2531332342, ClinGen allele CA360373136.